The following is an entry in ClinVar:

NM_001354980.2(PNMA6F):c.563_598del (p.Ala188_Glu199del)

Gene: PNMA6F (PNMA family member 6F; minus strand). Cytogenetic location: Xq28.
Variant type: Deletion.
Coding change: c.563_598del on transcript NM_001354980.2 (MANE Select); coding-DNA positions 563 to 598, 36 bases deleted.
Protein change: p.Ala188_Glu199del.
Molecular consequence: inframe deletion.
Genome position (GRCh38, 1-based): chrX:153,320,077-153,320,112, 36 bases deleted; deleting any 36 consecutive bases within chrX:153,320,077-153,320,121 gives the same sequence; the c. name uses the placement nearest the transcript's 3' end. GRCh37 (hg19): chrX:152,585,544-152,585,579.
Identifiers: ClinVar variation 3239191 (VCV003239191.19), dbSNP rs1569527458.
Genomic context (GRCh38, chrX:153,320,076, plus strand): 5'-GCTCCTGCCTCATCTTCACCTCCTTCCTCACCTGCGCCTCCTGCCTCACCTGCACCTCCT[TCCTCACCTGTACCTCCTTCCTCACCTGCACCTCCTG>T]CCTCACCTGCACCTCCTGCCTCACCTGCACCTCCTGCCTCACCTGCTGCTCCTGCCTCAC-3'

ClinVar aggregate classification (germline): Likely benign (1 of 4 stars; one submission).

Submission:

CeGaT Center for Human Genetics Tuebingen
Classification: Likely benign. Last evaluated: 2024-05-01. Review status: criteria provided, single submitter. Criteria: CeGaT Center For Human Genetics Tuebingen Variant Classification Criteria Version 2. Collection method: clinical testing. Allele origin: germline. Affected: yes. Observed: 1 variant allele.
Comment: PNMA6F: BS2